The following is an entry in ClinVar:

NM_033056.4(PCDH15):c.5281GCTCCT[3] (p.Pro1764_Leu1765insAlaPro)

Gene: PCDH15 (protocadherin related 15; minus strand). Cytogenetic location: 10q21.1.
Variant type: Microsatellite.
Coding change: c.5281GCTCCT[3] on transcript NM_033056.4 (MANE Plus Clinical); three copies in a row of the 6-base unit GCTCCT starting at c.5281; the reference has two copies in a row; one copy, 6 bases duplicated.
Protein change: p.Pro1764_Leu1765insAlaPro.
Molecular consequence: inframe insertion. On other transcripts: intron variant (8).
Genome position (GRCh38, 1-based): chr10:53,822,434-53,822,439, AGGAGC duplicated on the plus strand (GCTCCT on the coding strand, the reverse complement: PCDH15 is on the minus strand); duplicating any 6 consecutive bases within chr10:53,822,434-53,822,450 gives the same sequence; the position shown is the placement nearest the transcript's 3' end. VCF-style (leftmost placement, unchanged base first): chr10-53822433-G-GAGGAGC. GRCh37 (hg19) VCF-style: chr10-55582193-G-GAGGAGC.
Other names: c.5302GCTCCT[3], p.Pro1771_Leu1772insAlaPro (NM_001142763.2); c.5287GCTCCT[3], p.Pro1766_Leu1767insAlaPro (NM_001142764.2); c.5074GCTCCT[3], p.Pro1695_Leu1696insAlaPro (NM_001142765.2); c.5272GCTCCT[3], p.Pro1761_Leu1762insAlaPro (NM_001142766.2); c.5161GCTCCT[3], p.Pro1724_Leu1725insAlaPro (NM_001142767.2); c.5221GCTCCT[3], p.Pro1744_Leu1745insAlaPro (NM_001142768.2); c.5212GCTCCT[3], p.Pro1741_Leu1742insAlaPro (NM_001142773.2); c.5215GCTCCT[3], p.Pro1742_Leu1743insAlaPro (NM_001354404.2); and 7 more.
Identifiers: ClinVar variation 3368360 (VCV003368360.1).

ClinVar aggregate classification (germline): Uncertain significance (1 of 4 stars; one submission).

Submission:

GeneDx
Classification: Uncertain significance. Last evaluated: 2024-01-29. Review status: criteria provided, single submitter. Criteria: GeneDx Variant Classification Process June 2021. Collection method: clinical testing. Allele origin: germline. Affected: yes.
Comment: In-frame deletion of 2 amino acids; Not observed at significant frequency in large population cohorts (gnomAD); Has not been previously published as pathogenic or benign to our knowledge